The following is an entry in ClinVar:

ClinVar aggregate classification (germline): Uncertain significance (1 of 4 stars; one submission).

Conditions:
Cystic fibrosis (CF). Also called: MUCOVISCIDOSIS. Identifiers: Orphanet 586, MedGen C0010674, MONDO:0009061, OMIM 219700. Disease mechanism: loss of function.

Submission:

Ambry Genetics
Classification: Uncertain significance for Cystic fibrosis. Last evaluated: 2023-05-11. Review status: criteria provided, single submitter. Criteria: Ambry Variant Classification Scheme 2023. Collection method: clinical testing. Allele origin: germline.
Comment: The p.D639H variant (also known as c.1915G>C), located in coding exon 14 of the CFTR gene, results from a G to C substitution at nucleotide position 1915. The aspartic acid at codon 639 is replaced by histidine, an amino acid with similar properties. This amino acid position is conserved. In addition, this alteration is predicted to be deleterious by in silico analysis. Since supporting evidence is limited at this time, the clinical significance of this alteration remains unclear.

NM_000492.4(CFTR):c.1915G>C (p.Asp639His)

Gene: CFTR (CF transmembrane conductance regulator; plus strand). Cytogenetic location: 7q31.2.
Variant type: single nucleotide variant.
Coding change: c.1915G>C on transcript NM_000492.4 (MANE Select); coding-DNA position 1915, G replaced by C.
Protein change: p.Asp639His; replaces aspartic acid 639 with histidine.
Molecular consequence: missense variant.
Genome position (GRCh38, 1-based): chr7:117,592,082, G>C. VCF-style: chr7-117592082-G-C. GRCh37 (hg19) VCF-style: chr7-117232136-G-C.
Other names: short protein forms D639H.
Identifiers: ClinVar variation 2567885 (VCV002567885.2), dbSNP rs397508321, ClinGen allele CA368978780.